The following is an entry in ClinVar:

NM_005585.5(SMAD6):c.533C>T (p.Ser178Leu)

Gene: SMAD6 (SMAD family member 6; plus strand). Cytogenetic location: 15q22.31.
Variant type: single nucleotide variant.
Coding change: c.533C>T on transcript NM_005585.5 (MANE Select); coding-DNA position 533, C replaced by T.
Protein change: p.Ser178Leu; replaces serine 178 with leucine.
Molecular consequence: missense variant. On other transcripts: non-coding transcript variant (1).
Genome position (GRCh38, 1-based): chr15:66,703,791, C>T. VCF-style: chr15-66703791-C-T. GRCh37 (hg19) VCF-style: chr15-66996129-C-T.
Other names: short protein forms S178L.
Identifiers: ClinVar variation 2160912 (VCV002160912.4), dbSNP rs776347265, ClinGen allele CA271683122.

ClinVar aggregate classification (germline): Uncertain significance (1 of 4 stars; one submission).

Conditions:
Aortic valve disease 2 (AOVD2). Identifiers: MedGen C3542024, MONDO:0013902, OMIM 614823.

Allele frequency attached by ClinVar (database versions not stated): TOPMed 0.00002.
gnomAD v4.1: 7 of 1,441,244 alleles (0.00049%); highest among the groups gnomAD compares: African/African-American, 0.0015%; no homozygotes.

Submission:

Labcorp Genetics (formerly Invitae), Labcorp
Classification: Uncertain significance for Aortic valve disease 2. Last evaluated: 2023-08-04. Review status: criteria provided, single submitter. Criteria: Invitae Variant Classification Sherloc (09022015). Collection method: clinical testing. Allele origin: germline.
Comment: In summary, the available evidence is currently insufficient to determine the role of this variant in disease. Therefore, it has been classified as a Variant of Uncertain Significance. Advanced modeling of protein sequence and biophysical properties (such as structural, functional, and spatial information, amino acid conservation, physicochemical variation, residue mobility, and thermodynamic stability) performed at Invitae indicates that this missense variant is not expected to disrupt SMAD6 protein function. ClinVar contains an entry for this variant (Variation ID: 2160912). This variant has not been reported in the literature in individuals affected with SMAD6-related conditions. This variant is not present in population databases (gnomAD no frequency). This sequence change replaces serine, which is neutral and polar, with leucine, which is neutral and non-polar, at codon 178 of the SMAD6 protein (p.Ser178Leu).